The following is an entry in ClinVar:

NM_032447.5(FBN3):c.1202-4G>A

Gene: FBN3 (fibrillin 3; minus strand). Cytogenetic location: 19p13.2.
Variant type: single nucleotide variant.
Coding change: c.1202-4G>A on transcript NM_032447.5 (MANE Select); 4 bases into the intron before coding-DNA position 1202, G replaced by A.
Molecular consequence: intron variant.
Genome position (GRCh38, 1-based): chr19:8,136,535, C>T on the plus strand (G>A on the coding strand, the complement: FBN3 is on the minus strand). VCF-style: chr19-8136535-C-T. GRCh37 (hg19) VCF-style: chr19-8201419-C-T.
Other names: c.1202-4G>A (NM_001321431.1, NM_001321431.2).
Identifiers: ClinVar variation 3016058 (VCV003016058.5), dbSNP rs755558662, ClinGen allele CA9153422.
Genomic context (GRCh38, chr19:8,136,535, plus strand): 5'-GACACAGGTTGGTGAAGTGTCGGCAGATGTCAATGGTCTGGTTCAGGGTAGCAGTGCCTA[C>T]GGGTGGGGCCGGCAGAGGCATCTGAGCAGTGGCTGGCCCCGCCCCAGTCTGGAGCCTGGG-3'

ClinVar aggregate classification (germline): Likely benign. Review status: criteria provided, single submitter (1 of 4 stars). 2 submissions from 2 submitters: Likely benign (1). 1 of the submissions does not count toward it. Last evaluated 2024-08-28.

Conditions:
FBN3-related disorder. Also called: FBN3-related condition.

Allele frequency attached by ClinVar (database versions not stated): ExAC 0.00001.
gnomAD v4.1: 46 of 1,613,752 alleles (0.0029%); highest among the groups gnomAD compares: African/African-American, 0.011%; no homozygotes.

Submissions (2):

Labcorp Genetics (formerly Invitae), Labcorp
Classification: Likely benign. Last evaluated: 2024-08-28. Review status: criteria provided, single submitter. Criteria: Invitae Variant Classification Sherloc (09022015). Collection method: clinical testing. Allele origin: germline.

PreventionGenetics, part of Exact Sciences
Classification: Likely benign for FBN3-related condition. Last evaluated: 2019-02-27. Review status: no assertion criteria provided. Collection method: clinical testing. Allele origin: germline. Not counted in ClinVar's aggregate classification.
Comment: This variant is classified as likely benign based on ACMG/AMP sequence variant interpretation guidelines (Richards et al. 2015 PMID: 25741868, with internal and published modifications).